The following is an entry in ClinVar:

ClinVar aggregate classification (germline): Uncertain significance (1 of 4 stars; one submission).

Conditions:
Aortic valve disease 2 (AOVD2). Identifiers: MedGen C3542024, MONDO:0013902, OMIM 614823.

gnomAD v4.1: 1 of 1,232,100 alleles (0.000081%); highest among the groups gnomAD compares: Non-Finnish European, 0.0001%; no homozygotes.

Submission:

Labcorp Genetics (formerly Invitae), Labcorp
Classification: Uncertain significance for Aortic valve disease 2. Last evaluated: 2025-11-10. Review status: criteria provided, single submitter. Criteria: Invitae Variant Classification Sherloc (09022015). Collection method: clinical testing. Allele origin: germline.
Comment: This sequence change replaces arginine, which is basic and polar, with glycine, which is neutral and non-polar, at codon 132 of the SMAD6 protein (p.Arg132Gly). This variant is not present in population databases (gnomAD no frequency). This variant has not been reported in the literature in individuals affected with SMAD6-related conditions. ClinVar contains an entry for this variant (Variation ID: 3725897). An algorithm developed to predict the effect of missense changes on protein structure and function (PolyPhen-2) suggests that this variant is likely to be disruptive. In summary, the available evidence is currently insufficient to determine the role of this variant in disease. Therefore, it has been classified as a Variant of Uncertain Significance.

NM_005585.5(SMAD6):c.394C>G (p.Arg132Gly)

Gene: SMAD6 (SMAD family member 6; plus strand). Cytogenetic location: 15q22.31.
Variant type: single nucleotide variant.
Coding change: c.394C>G on transcript NM_005585.5 (MANE Select); coding-DNA position 394, C replaced by G.
Protein change: p.Arg132Gly; replaces arginine 132 with glycine.
Molecular consequence: missense variant. On other transcripts: non-coding transcript variant (1).
Genome position (GRCh38, 1-based): chr15:66,703,652, C>G. VCF-style: chr15-66703652-C-G. GRCh37 (hg19) VCF-style: chr15-66995990-C-G.
Other names: short protein forms R132G.
Identifiers: ClinVar variation 3725897 (VCV003725897.2).